The following is an entry in ClinVar:

NM_003500.4(ACOX2):c.148C>T (p.Arg50Cys)

Gene: ACOX2 (acyl-CoA oxidase 2; minus strand). Cytogenetic location: 3p14.3.
Variant type: single nucleotide variant.
Coding change: c.148C>T on transcript NM_003500.4 (MANE Select); coding-DNA position 148, C replaced by T.
Protein change: p.Arg50Cys; replaces arginine 50 with cysteine.
Molecular consequence: missense variant.
Genome position (GRCh38, 1-based): chr3:58,534,959, G>A on the plus strand (C>T on the coding strand, the complement: ACOX2 is on the minus strand). VCF-style: chr3-58534959-G-A. GRCh37 (hg19) VCF-style: chr3-58520686-G-A.
Other names: short protein forms R50C.
Identifiers: ClinVar variation 3029531 (VCV003029531.3), dbSNP rs149911289, ClinGen allele CA2472534.

ClinVar aggregate classification (germline): Uncertain significance. Review status: criteria provided, single submitter (1 of 4 stars). 2 submissions from 2 submitters: Uncertain significance (1). 1 of the submissions does not count toward it. Last evaluated 2025-09-24.

Conditions:
ACOX2-related disorder. Also called: ACOX2-related condition.

Allele frequency attached by ClinVar (database versions not stated): TOPMed 0.00002; gnomAD exomes 0.00003; gnomAD 0.00005; ExAC 0.00007; ESP Exome Variant Server 0.00008.
gnomAD v4.1: 46 of 1,614,074 alleles (0.0028%); highest among the groups gnomAD compares: Admixed American, 0.01%; 1 homozygote.

Submissions (2):

Labcorp Genetics (formerly Invitae), Labcorp
Classification: Uncertain significance. Last evaluated: 2025-09-24. Review status: criteria provided, single submitter. Criteria: Invitae Variant Classification Sherloc (09022015). Collection method: clinical testing. Allele origin: germline.
Comment: This sequence change replaces arginine, which is basic and polar, with cysteine, which is neutral and slightly polar, at codon 50 of the ACOX2 protein (p.Arg50Cys). This variant is present in population databases (rs149911289, gnomAD 0.02%). This variant has not been reported in the literature in individuals affected with ACOX2-related conditions. ClinVar contains an entry for this variant (Variation ID: 3029531). Invitae Evidence Modeling of protein sequence and biophysical properties (such as structural, functional, and spatial information, amino acid conservation, physicochemical variation, residue mobility, and thermodynamic stability) indicates that this missense variant is expected to disrupt ACOX2 protein function with a positive predictive value of 80%. In summary, the available evidence is currently insufficient to determine the role of this variant in disease. Therefore, it has been classified as a Variant of Uncertain Significance.

PreventionGenetics, part of Exact Sciences
Classification: Uncertain significance for ACOX2-related condition. Last evaluated: 2023-12-13. Review status: no assertion criteria provided. Collection method: clinical testing. Allele origin: germline. Not counted in ClinVar's aggregate classification.
Comment: The ACOX2 c.148C>T variant is predicted to result in the amino acid substitution p.Arg50Cys. To our knowledge, this variant has not been reported in the literature. This variant is reported in 0.017% of alleles in individuals of Latino descent in gnomAD. At this time, the clinical significance of this variant is uncertain due to the absence of conclusive functional and genetic evidence.